The following is an entry in ClinVar:

ClinVar aggregate classification (germline): Uncertain significance (1 of 4 stars; one submission).

Conditions:
Tibial muscular dystrophy (TMD). Also called: UDD MYOPATHY; Udd Distal Myopathy – Tibial Muscular Dystrophy; Tibial muscular dystrophy, tardive. Identifiers: Orphanet 609, MedGen C1838244, MONDO:0010870, OMIM 600334.

Submission:

Centre for Mendelian Genomics, University Medical Centre Ljubljana
Classification: Uncertain significance for Tibial muscular dystrophy. Last evaluated: 2019-04-08. Review status: criteria provided, single submitter. Criteria: ACMG Guidelines, 2015. Collection method: clinical testing. Allele origin: unknown. Affected: yes.
Comment: This variant was classified as: Uncertain significance. The available evidence favors the pathogenic nature of this variant, however the currently available data is insufficient to conclusively support its pathogenic nature. Thus this variant is classified as Uncertain significance - favor pathogenic. The following ACMG criteria were applied in classifying this variant: PM2.

NM_001267550.2(TTN):c.17278del (p.Thr5760fs)

Genes: TTN (titin; minus strand), LOC126806431 (CDK7 strongly-dependent group 2 enhancer GRCh37_chr2:179595719-179596918; plus strand). Cytogenetic location: 2q31.2.
Variant type: Deletion.
Coding change: c.17278del on transcript NM_001267550.2 (MANE Select); coding-DNA position 17278, one base deleted (A; older notation c.17278delA).
Protein change: p.Thr5760fs; shifts the reading frame from threonine 5760.
Molecular consequence: frameshift variant. On other transcripts: intron variant (3).
Genome position (GRCh38, 1-based): chr2:178,731,488, T deleted on the plus strand (A on the coding strand, the reverse complement: TTN is on the minus strand). VCF-style (leftmost placement, unchanged base first): chr2-178731487-GT-G. GRCh37 (hg19) VCF-style: chr2-179596214-GT-G.
Other names: c.16327del, p.Thr5443fs (NM_001256850.1); c.13546del, p.Thr4516fs (NM_133378.4); c.13282+6594del (NM_003319.4); c.13858+6594del (NM_133437.4); c.13657+6594del (NM_133432.3); c.17278delA (NM_001267550.2); short protein forms T5760fs, T4516fs, T5443fs.
Identifiers: ClinVar variation 931567 (VCV000931567.3), dbSNP rs2080494323, ClinGen allele CA1139657481.